The following is an entry in ClinVar:

ClinVar aggregate classification (germline): Uncertain significance (1 of 4 stars; one submission).

Submission:

Labcorp Genetics (formerly Invitae), Labcorp
Classification: Uncertain significance. Last evaluated: 2025-08-06. Review status: criteria provided, single submitter. Criteria: Invitae Variant Classification Sherloc (09022015). Collection method: clinical testing. Allele origin: germline.
Comment: This sequence change creates a premature translational stop signal (p.Ala75Cysfs*22) in the IFT57 gene. It is expected to result in an absent or disrupted protein product. However, the current clinical and genetic evidence is not sufficient to establish whether loss-of-function variants in IFT57 cause disease. This variant is present in population databases (no rsID available, gnomAD 0.006%). This variant has not been reported in the literature in individuals affected with IFT57-related conditions. ClinVar contains an entry for this variant (Variation ID: 1910073). In summary, the available evidence is currently insufficient to determine the role of this variant in disease. Therefore, it has been classified as a Variant of Uncertain Significance.

NM_018010.4(IFT57):c.222dup (p.Ala75fs)

Gene: IFT57 (intraflagellar transport 57; minus strand). Cytogenetic location: 3q13.13.
Variant type: Duplication.
Coding change: c.222dup on transcript NM_018010.4 (MANE Select); coding-DNA position 222, one base duplicated (T; older notation c.222dupT).
Protein change: p.Ala75fs; shifts the reading frame from alanine 75.
Molecular consequence: frameshift variant.
Genome position (GRCh38, 1-based): chr3:108,219,563, A duplicated on the plus strand (T on the coding strand, the reverse complement: IFT57 is on the minus strand); the first of 4 consecutive A bases (chr3:108,219,563-108,219,566); duplicating any one gives the same sequence. VCF-style (leftmost placement, unchanged base first): chr3-108219562-C-CA. GRCh37 (hg19) VCF-style: chr3-107938409-C-CA.
Other names: short protein forms A75fs.
Identifiers: ClinVar variation 1910073 (VCV001910073.5), dbSNP rs1232487375, ClinGen allele CA435035066.